The following is an entry in ClinVar:

NM_006904.7(PRKDC):c.9336+4A>G

Gene: PRKDC (protein kinase, DNA-activated, catalytic subunit; minus strand). Cytogenetic location: 8q11.21.
Variant type: single nucleotide variant.
Coding change: c.9336+4A>G on transcript NM_006904.7 (MANE Select); 4 bases into the intron after coding-DNA position 9336, A replaced by G.
Molecular consequence: intron variant.
Genome position (GRCh38, 1-based): chr8:47,820,715, T>C on the plus strand (A>G on the coding strand, the complement: PRKDC is on the minus strand). VCF-style: chr8-47820715-T-C. GRCh37 (hg19) VCF-style: chr8-48733276-T-C.
Other names: c.9336+4A>G (NM_001081640.2).
Identifiers: ClinVar variation 639445 (VCV000639445.4), dbSNP rs760400696, ClinGen allele CA4739624.

ClinVar aggregate classification (germline): Uncertain significance (1 of 4 stars; one submission).

Conditions:
Severe combined immunodeficiency due to DNA-PKcs deficiency. Also called: IMMUNODEFICIENCY 26 WITH NEUROLOGIC ABNORMALITIES; Immunodeficiency 26 with or without neurologic abnormalities. Identifiers: Orphanet 317425, MedGen C4014833, MONDO:0014423, OMIM 615966.

Allele frequency attached by ClinVar (database versions not stated): gnomAD exomes below 0.00001 and 0.00002; gnomAD 0.00003 and 0.00004; TOPMed 0.00005; ExAC 0.00006.
gnomAD v4.1: 10 of 1,479,966 alleles (0.00068%); highest among the groups gnomAD compares: African/African-American, 0.0098%; no homozygotes.

Submission:

Labcorp Genetics (formerly Invitae), Labcorp
Classification: Uncertain significance for Severe combined immunodeficiency due to DNA-PKcs deficiency. Last evaluated: 2025-03-20. Review status: criteria provided, single submitter. Criteria: Invitae Variant Classification Sherloc (09022015). Collection method: clinical testing. Allele origin: germline.
Comment: This sequence change falls in intron 66 of the PRKDC gene. It does not directly change the encoded amino acid sequence of the PRKDC protein. It affects a nucleotide within the consensus splice site. The frequency data for this variant in the population databases is considered unreliable, as metrics indicate poor data quality at this position in the gnomAD database. This variant has not been reported in the literature in individuals affected with PRKDC-related conditions. ClinVar contains an entry for this variant (Variation ID: 639445). Variants that disrupt the consensus splice site are a relatively common cause of aberrant splicing (PMID: 17576681, 9536098). Algorithms developed to predict the effect of sequence changes on RNA splicing suggest that this variant is not likely to affect RNA splicing. In summary, the available evidence is currently insufficient to determine the role of this variant in disease. Therefore, it has been classified as a Variant of Uncertain Significance.

Literature cited by the submitters: PubMed 17576681; PubMed 9536098.